The following is an entry in ClinVar:

ClinVar aggregate classification (germline): Uncertain significance (1 of 4 stars; one submission).

gnomAD v4.1: 3 of 1,614,118 alleles (0.00019%); highest among the groups gnomAD compares: South Asian, 0.0011%; no homozygotes.

Submission:

GeneDx
Classification: Uncertain significance. Last evaluated: 2017-01-13. Review status: criteria provided, single submitter. Criteria: GeneDx Variant Classification (06012015). Collection method: clinical testing. Allele origin: germline. Affected: yes.
Comment: A variant of uncertain significance has been identified in the WWOX gene. The D286N variant has not been published as a pathogenic variant, nor has it been reported as a benign variant to our knowledge. The D286N variant is not observed in large population cohorts (Lek et al., 2016; 1000 Genomes Consortium et al., 2015; Exome Variant Server). The D286N variant is a semi-conservative amino acid substitution, which may impact secondary protein structure as these residues differ in some properties. However, this substitution occurs at a position that is not conserved and in silico analysis is inconsistent in its predictions as to whether or not the variant is damaging to the protein structure/function. Therefore, based on the currently available information, it is unclear whether this variant is a pathogenic variant or a rare benign variant.

NM_016373.4(WWOX):c.856G>A (p.Asp286Asn)

Gene: WWOX (WW domain containing oxidoreductase; plus strand). Cytogenetic location: 16q23.1.
Variant type: single nucleotide variant.
Coding change: c.856G>A on transcript NM_016373.4 (MANE Select); coding-DNA position 856, G replaced by A.
Protein change: p.Asp286Asn; replaces aspartic acid 286 with asparagine.
Molecular consequence: missense variant.
Genome position (GRCh38, 1-based): chr16:78,432,552, G>A. VCF-style: chr16-78432552-G-A. GRCh37 (hg19) VCF-style: chr16-78466449-G-A.
Other names: c.517G>A, p.Asp173Asn (NM_001291997.2); short protein forms D286N, D173N.
Identifiers: ClinVar variation 392748 (VCV000392748.2), dbSNP rs374658336, ClinGen allele CA16607094.